The following is an entry in ClinVar:

NM_001563.4(IMPG1):c.2162G>C (p.Ser721Thr)

Gene: IMPG1 (interphotoreceptor matrix proteoglycan 1; minus strand). Cytogenetic location: 6q14.1.
Variant type: single nucleotide variant.
Coding change: c.2162G>C on transcript NM_001563.4 (MANE Select); coding-DNA position 2162, G replaced by C.
Protein change: p.Ser721Thr; replaces serine 721 with threonine.
Molecular consequence: missense variant.
Genome position (GRCh38, 1-based): chr6:75,931,034, C>G on the plus strand (G>C on the coding strand, the complement: IMPG1 is on the minus strand). VCF-style: chr6-75931034-C-G. GRCh37 (hg19) VCF-style: chr6-76640751-C-G.
Other names: c.1928G>C, p.Ser643Thr (NM_001282368.2); short protein forms S643T, S721T.
Identifiers: ClinVar variation 2072954 (VCV002072954.4), dbSNP rs1379826149, ClinGen allele CA364769620.

ClinVar aggregate classification (germline): Uncertain significance (1 of 4 stars; one submission).

gnomAD v4.1: 1 of 1,614,214 alleles (0.000062%); highest among the groups gnomAD compares: Admixed American, 0.0017%; no homozygotes.

Submission:

Labcorp Genetics (formerly Invitae), Labcorp
Classification: Uncertain significance. Last evaluated: 2022-01-03. Review status: criteria provided, single submitter. Criteria: Invitae Variant Classification Sherloc (09022015). Collection method: clinical testing. Allele origin: germline.
Comment: In summary, the available evidence is currently insufficient to determine the role of this variant in disease. Therefore, it has been classified as a Variant of Uncertain Significance. Algorithms developed to predict the effect of missense changes on protein structure and function output the following: SIFT: "Tolerated"; PolyPhen-2: "Benign"; Align-GVGD: "Class C0". The threonine amino acid residue is found in multiple mammalian species, which suggests that this missense change does not adversely affect protein function. This variant has not been reported in the literature in individuals affected with IMPG1-related conditions. This variant is not present in population databases (gnomAD no frequency). This sequence change replaces serine, which is neutral and polar, with threonine, which is neutral and polar, at codon 721 of the IMPG1 protein (p.Ser721Thr).